The following is an entry in ClinVar:

NM_001077415.3(CRELD1):c.37= (p.Met13=)

Gene: CRELD1 (CRELD disulfide isomerase 1; plus strand). Cytogenetic location: 3p25.3.
Variant type: single nucleotide variant.
Coding change: c.37= on transcript NM_001077415.3 (MANE Select); coding-DNA position 37, no change from the reference sequence.
Protein change: p.Met13=; no amino-acid change (methionine 13 retained).
Molecular consequence: no sequence alteration. On other transcripts: non-coding transcript variant (3).
Genome position: GRCh38 VCF-style: chr3-9934475-A-A. GRCh37 (hg19) VCF-style: chr3-9976159-A-A.
Other names: p.V13M:GTG>ATG; c.37=, p.Met13= (NM_001031717.4, NM_001374316.1, NM_001374317.1 and 4 more transcripts).
Identifiers: ClinVar variation 137033 (VCV000137033.10), dbSNP rs279552.

ClinVar aggregate classification (germline): Benign. Review status: criteria provided, multiple submitters, no conflicts (2 of 4 stars). 2 submissions from 2 submitters: Benign (2). Last evaluated 2026-01-15.

Conditions:
Atrioventricular septal defect, susceptibility to, 2. Identifiers: MedGen C1853508, MONDO:0011650, OMIM 606217.

Allele frequency attached by ClinVar (database versions not stated): 1000 Genomes Project 30x 0.00375; 1000 Genomes Project 0.00439; gnomAD 0.00777 and 0.00787; TOPMed 0.00782; ExAC 0.00841; ESP Exome Variant Server 0.00853; gnomAD exomes 0.00877 and 0.01049.

Submissions (2):

Labcorp Genetics (formerly Invitae), Labcorp
Classification: Benign for Atrioventricular septal defect, susceptibility to, 2. Last evaluated: 2026-01-15. Review status: criteria provided, single submitter. Criteria: Invitae Variant Classification Sherloc (09022015). Collection method: clinical testing. Allele origin: germline.

GeneDx
Classification: Benign. Last evaluated: 2013-10-14. Review status: criteria provided, single submitter. Criteria: GeneDx Variant Classification (06012015). Collection method: clinical testing. Allele origin: germline. Affected: yes.
Comment: This variant is considered likely benign or benign based on one or more of the following criteria: it is a conservative change, it occurs at a poorly conserved position in the protein, it is predicted to be benign by multiple in silico algorithms, and/or has population frequency not consistent with disease.